The following is an entry in ClinVar:

NM_014921.5(ADGRL1):c.4083C>T (p.Ala1361=)

Genes: ADGRL1 (adhesion G protein-coupled receptor L1; minus strand), ADGRL1-AS1 (ADGRL1 antisense RNA 1; plus strand). Cytogenetic location: 19p13.12.
Variant type: single nucleotide variant.
Coding change: c.4083C>T on transcript NM_014921.5 (MANE Select); coding-DNA position 4083, C replaced by T.
Protein change: p.Ala1361=; no amino-acid change (alanine 1361 retained).
Molecular consequence: synonymous variant.
Genome position (GRCh38, 1-based): chr19:14,151,200, G>A on the plus strand (C>T on the coding strand, the complement: ADGRL1 is on the minus strand). VCF-style: chr19-14151200-G-A. GRCh37 (hg19) VCF-style: chr19-14262012-G-A.
Other names: c.4098C>T, p.Ala1366= (NM_001008701.3).
Identifiers: ClinVar variation 4681491 (VCV004681491.5).
Genomic context (GRCh38, chr19:14,151,200, plus strand): 5'-GGCATAGAGGGAGTCCCGGCCAGGAGGGGAGGAGAGGGGCCGGCTGGTGGCGCCGTCCTC[G>A]GCCGTGCAGCTCTCCGACTCGTCCAGATCGCTCTGGTACAGCACCGACTGGGCCCGGGGC-3'
Protein context (NP_055736.2, residues 1351-1371): SDLDESESCT[Ala1361=]EDGATSRPLS

ClinVar aggregate classification (germline): Likely benign (1 of 4 stars; one submission).

gnomAD v4.1: 120 of 1,611,296 alleles (0.0074%); highest among the groups gnomAD compares: Admixed American, 0.14%; no homozygotes.

Submission:

CeGaT Center for Human Genetics Tuebingen
Classification: Likely benign. Last evaluated: 2025-11-01. Review status: criteria provided, single submitter. Criteria: CeGaT Center For Human Genetics Tuebingen Variant Classification Criteria Version 2. Collection method: clinical testing. Allele origin: germline. Affected: yes. Observed: 1 variant allele.
Comment: ADGRL1: BP4, BP7